The following is an entry in ClinVar:

ClinVar aggregate classification (germline): Uncertain significance (1 of 4 stars; one submission).

Submission:

Mayo Clinic Laboratories, Mayo Clinic
Classification: Uncertain significance. Last evaluated: 2023-06-27. Review status: criteria provided, single submitter. Criteria: ACMG Guidelines, 2015. Collection method: clinical testing. Allele origin: germline. Observed: 1 variant allele.
Comment: PM2_moderate

NM_006514.4(SCN10A):c.3985A>C (p.Lys1329Gln)

Gene: SCN10A (sodium voltage-gated channel alpha subunit 10; minus strand). Cytogenetic location: 3p22.2.
Variant type: single nucleotide variant.
Coding change: c.3985A>C on transcript NM_006514.4 (MANE Select); coding-DNA position 3985, A replaced by C.
Protein change: p.Lys1329Gln; replaces lysine 1329 with glutamine.
Molecular consequence: missense variant.
Genome position (GRCh38, 1-based): chr3:38,712,265, T>G on the plus strand (A>C on the coding strand, the complement: SCN10A is on the minus strand). VCF-style: chr3-38712265-T-G. GRCh37 (hg19) VCF-style: chr3-38753756-T-G.
Other names: p.Lys1329Gln; c.3982A>C, p.Lys1328Gln (NM_001293306.2); c.3691A>C, p.Lys1231Gln (NM_001293307.2); short protein forms K1231Q, K1328Q, K1329Q.
Identifiers: ClinVar variation 3379450 (VCV003379450.1).